The following is an entry in ClinVar:

NM_182914.3(SYNE2):c.303A>G (p.Leu101=)

Gene: SYNE2 (spectrin repeat containing nuclear envelope protein 2; plus strand). Cytogenetic location: 14q23.2.
Variant type: single nucleotide variant.
Coding change: c.303A>G on transcript NM_182914.3 (MANE Select); coding-DNA position 303, A replaced by G.
Protein change: p.Leu101=; no amino-acid change (leucine 101 retained).
Molecular consequence: synonymous variant.
Genome position (GRCh38, 1-based): chr14:63,941,950, A>G. VCF-style: chr14-63941950-A-G. GRCh37 (hg19) VCF-style: chr14-64408668-A-G.
Other names: c.303A>G, p.Leu101= (NM_015180.6).
Identifiers: ClinVar variation 771649 (VCV000771649.38), dbSNP rs371277498, ClinGen allele CA7219066.
Genomic context (GRCh38, chr14:63,941,950, plus strand): 5'-GGATAAAGGATCTAATACCTTCCAGTGTAGAATCAATATAGAACATGCCTTGACATTCCT[A>G]AGAAACCGATCAGTAAGTATAAATTTTTCTTAAAAATTCACAGGAGAGATTAATGCTCTG-3'
Protein context (NP_878918.2, residues 91-111): RINIEHALTF[Leu101=]RNRSIKLINI

ClinVar aggregate classification (germline): Conflicting classifications of pathogenicity. Review status: criteria provided, conflicting classifications (1 of 4 stars). 4 submissions from 4 submitters: Uncertain significance (1); Likely benign (3). Last evaluated 2024-01-01.

Conditions:
Emery-Dreifuss muscular dystrophy 5, autosomal dominant (EDMD5). Also called: EMERY-DREIFUSS MUSCULAR DYSTROPHY 5. Identifiers: Orphanet 261, MedGen C2751805, MONDO:0013072, OMIM 612999.

Allele frequency attached by ClinVar (database versions not stated): ExAC 0.00003; gnomAD 0.00006; gnomAD exomes 0.00006 and 0.00015; TOPMed 0.00008; ESP Exome Variant Server 0.00009.
gnomAD v4.1: 228 of 1,612,538 alleles (0.014%); highest among the groups gnomAD compares: Non-Finnish European, 0.018%; no homozygotes.

Submissions (4):

CeGaT Center for Human Genetics Tuebingen
Classification: Likely benign. Last evaluated: 2024-01-01. Review status: criteria provided, single submitter. Criteria: CeGaT Center For Human Genetics Tuebingen Variant Classification Criteria Version 2. Collection method: clinical testing. Allele origin: germline. Affected: yes. Observed: 2 variant alleles.
Comment: SYNE2: BP4, BP7

Blueprint Genetics
Classification: Likely benign. Last evaluated: 2023-11-10. Review status: criteria provided, single submitter. Criteria: ACMG Guidelines, 2015. Collection method: clinical testing. Allele origin: germline.

Labcorp Genetics (formerly Invitae), Labcorp
Classification: Likely benign for Emery-Dreifuss muscular dystrophy 5, autosomal dominant. Last evaluated: 2022-09-27. Review status: criteria provided, single submitter. Criteria: Invitae Variant Classification Sherloc (09022015). Collection method: clinical testing. Allele origin: germline.

Illumina Laboratory Services, Illumina
Classification: Uncertain significance for Emery-Dreifuss muscular dystrophy 5, autosomal dominant. Last evaluated: 2018-01-13. Review status: criteria provided, single submitter. Criteria: ICSL Variant Classification Criteria 13 December 2019. Collection method: clinical testing. Allele origin: germline.